The following is an entry in ClinVar:

NM_001148.6(ANK2):c.2044C>G (p.Leu682Val)

Gene: ANK2 (ankyrin 2; plus strand). Cytogenetic location: 4q26.
Variant type: single nucleotide variant.
Coding change: c.2044C>G on transcript NM_001148.6 (MANE Select); coding-DNA position 2044, C replaced by G.
Protein change: p.Leu682Val; replaces leucine 682 with valine.
Molecular consequence: missense variant.
Genome position (GRCh38, 1-based): chr4:113,282,837, C>G. VCF-style: chr4-113282837-C-G. GRCh37 (hg19) VCF-style: chr4-114203993-C-G.
Other names: c.1981C>G, p.Leu661Val (NM_001127493.3, NM_001354239.2, NM_001354243.2 and 10 more transcripts); c.2044C>G, p.Leu682Val (NM_001354225.2, NM_001354228.2, NM_001354232.2 and 6 more transcripts); c.2089C>G, p.Leu697Val (NM_001354230.2, NM_001354231.2, NM_001354237.2 and 5 more transcripts); c.1945C>G, p.Leu649Val (NM_001354245.2, NM_001354268.2); c.1957C>G, p.Leu653Val (NM_001354249.2, NM_001354264.2, NM_001354266.2 and 10 more transcripts); c.1882C>G, p.Leu628Val (NM_001354253.2, NM_001354257.2, NM_001354270.2 and 1 more transcripts); c.1858C>G, p.Leu620Val (NM_001354260.2, NM_001354271.2, NM_001386151.1); c.2002C>G, p.Leu668Val (NM_001354261.2, NM_001386147.1, NM_001386160.1); and 8 more; short protein forms L587V, L612V, L616V, L620V, L628V, L649V, L653V, L661V.
Identifiers: ClinVar variation 928629 (VCV000928629.9), dbSNP rs749503484, ClinGen allele CA3050425.

ClinVar aggregate classification (germline): Uncertain significance. Review status: criteria provided, multiple submitters, no conflicts (2 of 4 stars). 3 submissions from 3 submitters: Uncertain significance (3). Last evaluated 2024-09-06.

Conditions:
Long QT syndrome (LQTS). Identifiers: MedGen C0023976, MeSH D008133, MONDO:0002442. Disease mechanism: loss of function. Inheritance: Various modes of inheritance.

Allele frequency attached by ClinVar (database versions not stated): gnomAD exomes 0.00001 and 0.00002; ExAC 0.00002.
gnomAD v4.1: 3 of 1,614,036 alleles (0.00019%); highest among the groups gnomAD compares: East Asian, 0.0067%; no homozygotes.

Submissions (3):

Labcorp Genetics (formerly Invitae), Labcorp
Classification: Uncertain significance for Long QT syndrome. Last evaluated: 2024-09-06. Review status: criteria provided, single submitter. Criteria: Invitae Variant Classification Sherloc (09022015). Collection method: clinical testing. Allele origin: germline.
Comment: This sequence change replaces leucine, which is neutral and non-polar, with valine, which is neutral and non-polar, at codon 682 of the ANK2 protein (p.Leu682Val). This variant is present in population databases (rs749503484, gnomAD 0.02%). This missense change has been observed in individual(s) with autism spectrum disorder (PMID: 30564305). ClinVar contains an entry for this variant (Variation ID: 928629). Invitae Evidence Modeling of protein sequence and biophysical properties (such as structural, functional, and spatial information, amino acid conservation, physicochemical variation, residue mobility, and thermodynamic stability) indicates that this missense variant is not expected to disrupt ANK2 protein function with a negative predictive value of 80%. In summary, the available evidence is currently insufficient to determine the role of this variant in disease. Therefore, it has been classified as a Variant of Uncertain Significance.

GeneDx
Classification: Uncertain significance. Last evaluated: 2021-01-11. Review status: criteria provided, single submitter. Criteria: GeneDx Variant Classification Process June 2021. Collection method: clinical testing. Allele origin: germline. Affected: yes.
Comment: Has not been previously published in association with arrhythmia to our knowledge; Reported in ClinVar as a variant of uncertain significance (ClinVar Variant ID# 928629; Landrum et al., 2016); Not observed at a significant frequency in large population cohorts (Lek et al., 2016); In silico analysis supports that this missense variant has a deleterious effect on protein structure/function; This variant is associated with the following publications: (PMID: 30564305)

Women's Health and Genetics/Laboratory Corporation of America, LabCorp
Classification: Uncertain significance. Last evaluated: 2019-10-22. Review status: criteria provided, single submitter. Criteria: LabCorp Variant Classification Summary - May 2015. Collection method: clinical testing. Allele origin: germline.
Comment: Variant summary: ANK2 c.2044C>G (p.Leu682Val) results in a conservative amino acid change in the encoded protein sequence. Four of five in-silico tools predict a benign effect of the variant on protein function. The variant allele was found at a frequency of 1.6e-05 in 251194 control chromosomes (gnomAD). The available data on variant occurrences in the general population are insufficient to allow any conclusion about variant significance. c.2044C>G has been reported in the literature in individuals affected with Autism Spectrum Disorder (Guo_2018). However, this report does not provide unequivocal conclusions about association of the variant with Arrhythmia. To our knowledge, no experimental evidence demonstrating an impact on protein function has been reported. No clinical diagnostic laboratories have submitted clinical-significance assessments for this variant to ClinVar after 2014. Based on the evidence outlined above, the variant was classified as uncertain significance.

Literature cited by the submitters: PubMed 30564305 (cited by Labcorp Genetics (formerly Invitae), Labcorp and Women's Health and Genetics/Laboratory Corporation of America, LabCorp).